The following is an entry in ClinVar:

ClinVar aggregate classification (germline): Uncertain significance. Review status: criteria provided, multiple submitters, no conflicts (2 of 4 stars). 3 submissions from 3 submitters: Uncertain significance (3). Last evaluated 2025-06-18.

Conditions:
Hereditary cancer-predisposing syndrome. Also called: Neoplastic Syndromes, Hereditary; Hereditary Cancer Syndrome; Hereditary neoplastic syndrome; Tumor predisposition. Identifiers: Orphanet 140162, MedGen C0027672, MeSH D009386, MONDO:0015356.
Birt-Hogg-Dube syndrome. Also called: Birt Hogg Dubé syndrome. Identifiers: Orphanet 122, MedGen C0346010, MONDO:0800444.
Birt-Hogg-Dube syndrome 1 (BHD1). Also called: FIBROFOLLICULOMAS WITH TRICHODISCOMAS AND ACROCHORDONS. Identifiers: Orphanet 122, MedGen CN375946, MONDO:0800445, OMIM 135150.
Familial spontaneous pneumothorax (PSP). Identifiers: Orphanet 2903, MedGen C1868193, MONDO:0008259, OMIM 173600.
Nonpapillary renal cell carcinoma. Identifiers: Orphanet 422526, MedGen CN074294, MONDO:0007763, OMIM 144700.
Colorectal cancer. Also called: Colorectal cancer, somatic; Malignant Colorectal Neoplasm. Identifiers: MedGen C0346629, MONDO:0005575, OMIM 114500.

Allele frequency attached by ClinVar (database versions not stated): gnomAD exomes below 0.00001; TOPMed 0.00001; gnomAD 0.00002.
gnomAD v4.1: 4 of 1,614,002 alleles (0.00025%); highest among the groups gnomAD compares: African/African-American, 0.0053%; no homozygotes.

Submissions (3):

Labcorp Genetics (formerly Invitae), Labcorp
Classification: Uncertain significance for Birt-Hogg-Dube syndrome. Last evaluated: 2025-06-18. Review status: criteria provided, single submitter. Criteria: Invitae Variant Classification Sherloc (09022015). Collection method: clinical testing. Allele origin: germline.
Comment: This sequence change replaces glycine, which is neutral and non-polar, with aspartic acid, which is acidic and polar, at codon 50 of the FLCN protein (p.Gly50Asp). This variant is present in population databases (no rsID available, gnomAD 0.007%). This variant has not been reported in the literature in individuals affected with FLCN-related conditions. ClinVar contains an entry for this variant (Variation ID: 640135). An algorithm developed to predict the effect of missense changes on protein structure and function (PolyPhen-2) suggests that this variant is likely to be tolerated. In summary, the available evidence is currently insufficient to determine the role of this variant in disease. Therefore, it has been classified as a Variant of Uncertain Significance.

Ambry Genetics
Classification: Uncertain significance for Hereditary cancer-predisposing syndrome. Last evaluated: 2024-07-11. Review status: criteria provided, single submitter. Criteria: Ambry Variant Classification Scheme 2023. Collection method: clinical testing. Allele origin: germline.
Comment: The p.G50D variant (also known as c.149G>A), located in coding exon 1 of the FLCN gene, results from a G to A substitution at nucleotide position 149. The glycine at codon 50 is replaced by aspartic acid, an amino acid with similar properties. This amino acid position is highly conserved in available vertebrate species. In addition, the in silico prediction for this alteration is inconclusive. Based on the available evidence, the clinical significance of this variant remains unclear.

Fulgent Genetics
Classification: Uncertain significance for Colorectal cancer; Birt-Hogg-Dube syndrome 1; Nonpapillary renal cell carcinoma; Familial spontaneous pneumothorax. Last evaluated: 2024-06-14. Review status: criteria provided, single submitter. Criteria: ACMG Guidelines, 2015. Collection method: clinical testing. Allele origin: germline.

NM_144997.7(FLCN):c.149G>A (p.Gly50Asp)

Gene: FLCN (folliculin; minus strand). Cytogenetic location: 17p11.2.
Variant type: single nucleotide variant.
Coding change: c.149G>A on transcript NM_144997.7 (MANE Select); coding-DNA position 149, G replaced by A.
Protein change: p.Gly50Asp; replaces glycine 50 with aspartic acid.
Molecular consequence: missense variant.
Genome position (GRCh38, 1-based): chr17:17,227,989, C>T on the plus strand (G>A on the coding strand, the complement: FLCN is on the minus strand). VCF-style: chr17-17227989-C-T. GRCh37 (hg19) VCF-style: chr17-17131303-C-T.
Other names: c.149G>A (LRG_325t1); c.149G>A, p.Gly50Asp (NM_001353229.2, NM_001353230.2, NM_001353231.2 and 1 more transcripts); short protein forms G50D.
Identifiers: ClinVar variation 640135 (VCV000640135.10), dbSNP rs1166116743, ClinGen allele CA398535223.